The following is an entry in ClinVar:

NM_004304.5(ALK):c.2825C>T (p.Ala942Val)

Gene: ALK (ALK receptor tyrosine kinase; minus strand). Cytogenetic location: 2p23.2.
Variant type: single nucleotide variant.
Coding change: c.2825C>T on transcript NM_004304.5 (MANE Select); coding-DNA position 2825, C replaced by T.
Protein change: p.Ala942Val; replaces alanine 942 with valine.
Molecular consequence: missense variant.
Genome position (GRCh38, 1-based): chr2:29,227,663, G>A on the plus strand (C>T on the coding strand, the complement: ALK is on the minus strand). VCF-style: chr2-29227663-G-A. GRCh37 (hg19) VCF-style: chr2-29450529-G-A.
Other names: short protein forms A942V.
Identifiers: ClinVar variation 1478934 (VCV001478934.11), dbSNP rs2148179408, ClinGen allele CA346468901.
Genomic context (GRCh38, chr2:29,227,663, plus strand): 5'-AGTGGACTGATGAAGGAAACCCCATCTTCCCCATCCATTTCGGGGTCATTGTTTGAGGCT[G>A]CATTGCCGCCTGAGTAGCAAACCAGAGCAGAGTTTAACATGGGGGGTGGGTGCCAAAATC-3'
Protein context (NP_004295.2, residues 932-952): GGGGGYIGGN[Ala942Val]ASNNDPEMDG

ClinVar aggregate classification (germline): Uncertain significance. Review status: criteria provided, multiple submitters, no conflicts (2 of 4 stars). 2 submissions from 2 submitters: Uncertain significance (2). Last evaluated 2025-07-08.

Conditions:
Hereditary cancer-predisposing syndrome. Also called: Hereditary neoplastic syndrome; Tumor predisposition; Neoplastic Syndromes, Hereditary; Hereditary Cancer Syndrome. Identifiers: Orphanet 140162, MedGen C0027672, MeSH D009386, MONDO:0015356.
Neuroblastoma, susceptibility to, 3. Also called: ALK-Related Neuroblastic Tumor Susceptibility. Identifiers: Orphanet 635, MedGen C2751681, MONDO:0013083, OMIM 613014.

gnomAD v4.1: 1 of 1,613,820 alleles (0.000062%); highest among the groups gnomAD compares: Non-Finnish European, 0.000085%; no homozygotes.

Submissions (2):

Labcorp Genetics (formerly Invitae), Labcorp
Classification: Uncertain significance for Neuroblastoma, susceptibility to, 3. Last evaluated: 2025-07-08. Review status: criteria provided, single submitter. Criteria: Invitae Variant Classification Sherloc (09022015). Collection method: clinical testing. Allele origin: germline.
Comment: This sequence change replaces alanine, which is neutral and non-polar, with valine, which is neutral and non-polar, at codon 942 of the ALK protein (p.Ala942Val). This variant is not present in population databases (gnomAD no frequency). This variant has not been reported in the literature in individuals affected with ALK-related conditions. ClinVar contains an entry for this variant (Variation ID: 1478934). An algorithm developed to predict the effect of missense changes on protein structure and function (PolyPhen-2) suggests that this variant is likely to be disruptive. Algorithms developed to predict the effect of sequence changes on RNA splicing suggest that this variant may disrupt the consensus splice site. In summary, the available evidence is currently insufficient to determine the role of this variant in disease. Therefore, it has been classified as a Variant of Uncertain Significance.

Ambry Genetics
Classification: Uncertain significance for Hereditary cancer-predisposing syndrome. Last evaluated: 2024-11-30. Review status: criteria provided, single submitter. Criteria: Ambry Variant Classification Scheme 2023. Collection method: clinical testing. Allele origin: germline.
Comment: The p.A942V variant (also known as c.2825C>T), located in coding exon 17 of the ALK gene, results from a C to T substitution at nucleotide position 2825. The alanine at codon 942 is replaced by valine, an amino acid with similar properties. This amino acid position is conserved. In addition, the in silico prediction for this alteration is inconclusive. Since supporting evidence is limited at this time, the clinical significance of this alteration remains unclear.